The following is an entry in ClinVar:

NM_004595.5(SMS):c.330A>G (p.Arg110=)

Gene: SMS (spermine synthase; plus strand). Cytogenetic location: Xp22.11.
Variant type: single nucleotide variant.
Coding change: c.330A>G on transcript NM_004595.5 (MANE Select); coding-DNA position 330, A replaced by G.
Protein change: p.Arg110=; no amino-acid change (arginine 110 retained).
Molecular consequence: synonymous variant.
Genome position (GRCh38, 1-based): chrX:21,977,061, A>G. VCF-style: chrX-21977061-A-G. GRCh37 (hg19) VCF-style: chrX-21995179-A-G.
Other names: c.171A>G, p.Arg57= (NM_001258423.2).
Identifiers: ClinVar variation 212274 (VCV000212274.7), dbSNP rs142264016, ClinGen allele CA205737.
Genomic context (GRCh38, chrX:21,977,061, plus strand): 5'-TAGCTCCACTTGTAAGGCAGTGTTCTAGTAAGGTACATTTCTGTTTTTCTCTTTTTCCAG[A>G]TTACCACCCATAGTGCGAGGAGGAGCCATCGACAGATACTGGCCCACCGCCGACGGGCGC-3'
Protein context (NP_004586.2, residues 100-120): LSQDSTGRVK[Arg110=]LPPIVRGGAI

ClinVar aggregate classification (germline): Conflicting classifications of pathogenicity. Review status: criteria provided, conflicting classifications (1 of 4 stars). 2 submissions from 2 submitters: Uncertain significance (1); Likely benign (1). Last evaluated 2026-03-24.

Conditions:
SMS-related disorder. Also called: SMS-related condition.

Allele frequency attached by ClinVar (database versions not stated): gnomAD exomes 0.00004 and 0.00013; ExAC 0.00016; 1000 Genomes Project 30x 0.00021; 1000 Genomes Project 0.00026; TOPMed 0.00042; gnomAD 0.00044 and 0.00047; ESP Exome Variant Server 0.00076.
gnomAD v4.1: 89 of 1,207,732 alleles (0.0074%); highest among the groups gnomAD compares: African/African-American, 0.14%; 1 homozygote.

Submissions (2):

PreventionGenetics, part of Exact Sciences
Classification: Likely benign for SMS-related condition. Last evaluated: 2026-03-24. Review status: criteria provided, single submitter. Criteria: ACMG Guidelines, 2015. Collection method: clinical testing. Allele origin: germline.
Comment: This variant is classified as likely benign based on ACMG/AMP sequence variant interpretation guidelines (Richards et al. 2015 PMID: 25741868, with internal and published modifications).

Genetic Services Laboratory, University of Chicago
Classification: Uncertain significance. Last evaluated: 2014-10-08. Review status: criteria provided, single submitter. Criteria: ACMG Guidelines, 2015. Collection method: clinical testing. Allele origin: germline.